The following is an entry in ClinVar:

ClinVar aggregate classification (germline): Pathogenic (1 of 4 stars; one submission).

Conditions:
Nemaline myopathy 10 (NEM10). Identifiers: MedGen C4015360, MONDO:0014513, OMIM 616165.

Submission:

Labcorp Genetics (formerly Invitae), Labcorp
Classification: Pathogenic for Nemaline myopathy 10. Last evaluated: 2025-09-02. Review status: criteria provided, single submitter. Criteria: Invitae Variant Classification Sherloc (09022015). Collection method: clinical testing. Allele origin: germline.
Comment: This sequence change creates a premature translational stop signal (p.Lys220*) in the LMOD3 gene. It is expected to result in an absent or disrupted protein product. Loss-of-function variants in LMOD3 are known to be pathogenic (PMID: 25250574). This variant is not present in population databases (gnomAD no frequency). This variant has not been reported in the literature in individuals affected with LMOD3-related conditions. Algorithms developed to predict the effect of sequence changes on RNA splicing suggest that this variant may create or strengthen a splice site. For these reasons, this variant has been classified as Pathogenic.

Literature cited by the submitters: PubMed 25250574.

NM_198271.5(LMOD3):c.658A>T (p.Lys220Ter)

Gene: LMOD3 (leiomodin 3; minus strand). Cytogenetic location: 3p14.1.
Variant type: single nucleotide variant.
Coding change: c.658A>T on transcript NM_198271.5 (MANE Select); coding-DNA position 658, A replaced by T.
Protein change: p.Lys220Ter; replaces lysine 220 with a stop codon.
Molecular consequence: nonsense.
Genome position (GRCh38, 1-based): chr3:69,119,697, T>A on the plus strand (A>T on the coding strand, the complement: LMOD3 is on the minus strand). VCF-style: chr3-69119697-T-A. GRCh37 (hg19) VCF-style: chr3-69168848-T-A.
Other names: c.658A>T, p.Lys220Ter (NM_001304418.3); short protein forms K220*.
Identifiers: ClinVar variation 4726249 (VCV004726249.1).